The following is an entry in ClinVar:

NM_001292063.2(OTOG):c.6440G>A (p.Gly2147Glu)

Gene: OTOG (otogelin; plus strand). Cytogenetic location: 11p15.1.
Variant type: single nucleotide variant.
Coding change: c.6440G>A on transcript NM_001292063.2 (MANE Select); coding-DNA position 6440, G replaced by A.
Protein change: p.Gly2147Glu; replaces glycine 2147 with glutamic acid.
Molecular consequence: missense variant.
Genome position (GRCh38, 1-based): chr11:17,613,613, G>A. VCF-style: chr11-17613613-G-A. GRCh37 (hg19) VCF-style: chr11-17635160-G-A.
Other names: c.6476G>A, p.Gly2159Glu (NM_001277269.2); short protein forms G2147E, G2159E.
Identifiers: ClinVar variation 3342126 (VCV003342126.17).

ClinVar aggregate classification (germline): Uncertain significance. Review status: criteria provided, multiple submitters, no conflicts (2 of 4 stars). 2 submissions from 2 submitters: Uncertain significance (2). Last evaluated 2024-08-01.

gnomAD v4.1: 26 of 1,550,516 alleles (0.0017%); highest among the groups gnomAD compares: South Asian, 0.024%; no homozygotes.

Submissions (2):

CeGaT Center for Human Genetics Tuebingen
Classification: Uncertain significance. Last evaluated: 2024-08-01. Review status: criteria provided, single submitter. Criteria: CeGaT Center For Human Genetics Tuebingen Variant Classification Criteria Version 2. Collection method: clinical testing. Allele origin: germline. Affected: yes. Observed: 1 variant allele.
Comment: OTOG: PM2

Blueprint Genetics
Classification: Uncertain significance. Last evaluated: 2021-01-07. Review status: criteria provided, single submitter. Criteria: ACMG Guidelines, 2015. Collection method: clinical testing. Allele origin: germline.